The following is an entry in ClinVar:

NM_001232.4(CASQ2):c.697A>G (p.Thr233Ala)

Gene: CASQ2 (calsequestrin 2; minus strand). Cytogenetic location: 1p13.1.
Variant type: single nucleotide variant.
Coding change: c.697A>G on transcript NM_001232.4 (MANE Select); coding-DNA position 697, A replaced by G.
Protein change: p.Thr233Ala; replaces threonine 233 with alanine.
Molecular consequence: missense variant.
Genome position (GRCh38, 1-based): chr1:115,727,032, T>C on the plus strand (A>G on the coding strand, the complement: CASQ2 is on the minus strand). VCF-style: chr1-115727032-T-C. GRCh37 (hg19) VCF-style: chr1-116269653-T-C.
Other names: short protein forms T233A.
Identifiers: ClinVar variation 4811190 (VCV004811190.1).

ClinVar aggregate classification (germline): Uncertain significance (1 of 4 stars; one submission).

Conditions:
Catecholaminergic polymorphic ventricular tachycardia 1. Also called: VENTRICULAR TACHYCARDIA, STRESS-INDUCED POLYMORPHIC 1; VENTRICULAR TACHYCARDIA, CATECHOLAMINERGIC POLYMORPHIC, 1, WITH OR WITHOUT ATRIAL DYSFUNCTION AND/OR DILATED CARDIOMYOPATHY; RYR2-Related Catecholaminergic Polymorphic Ventricular Tachycardia. Identifiers: Orphanet 3286, MedGen C1631597, MONDO:0011484, OMIM 604772.

gnomAD v4.1: 2 of 1,606,918 alleles (0.00012%); highest among the groups gnomAD compares: African/African-American, 0.0027%; no homozygotes.

Submission:

Labcorp Genetics (formerly Invitae), Labcorp
Classification: Uncertain significance for Catecholaminergic polymorphic ventricular tachycardia 1. Last evaluated: 2025-04-23. Review status: criteria provided, single submitter. Criteria: Invitae Variant Classification Sherloc (09022015). Collection method: clinical testing. Allele origin: germline.
Comment: This sequence change replaces threonine, which is neutral and polar, with alanine, which is neutral and non-polar, at codon 233 of the CASQ2 protein (p.Thr233Ala). This variant is not present in population databases (gnomAD no frequency). This variant has not been reported in the literature in individuals affected with CASQ2-related conditions. Invitae Evidence Modeling of protein sequence and biophysical properties (such as structural, functional, and spatial information, amino acid conservation, physicochemical variation, residue mobility, and thermodynamic stability) indicates that this missense variant is not expected to disrupt CASQ2 protein function with a negative predictive value of 80%. In summary, the available evidence is currently insufficient to determine the role of this variant in disease. Therefore, it has been classified as a Variant of Uncertain Significance.